The following is an entry in ClinVar:

ClinVar aggregate classification (germline): Uncertain significance (1 of 4 stars; one submission).

Allele frequency attached by ClinVar (database versions not stated): gnomAD exomes below 0.00001; gnomAD 0.00001; ExAC 0.00002; TOPMed 0.00003.
gnomAD v4.1: 4 of 1,539,030 alleles (0.00026%); highest among the groups gnomAD compares: Admixed American, 0.0083%; no homozygotes.

Submission:

Labcorp Genetics (formerly Invitae), Labcorp
Classification: Uncertain significance. Last evaluated: 2024-10-10. Review status: criteria provided, single submitter. Criteria: Invitae Variant Classification Sherloc (09022015). Collection method: clinical testing. Allele origin: germline.
Comment: This sequence change replaces valine, which is neutral and non-polar, with isoleucine, which is neutral and non-polar, at codon 176 of the GUF1 protein (p.Val176Ile). The frequency data for this variant in the population databases is considered unreliable, as metrics indicate poor data quality at this position in the gnomAD database. This variant has not been reported in the literature in individuals affected with GUF1-related conditions. ClinVar contains an entry for this variant (Variation ID: 1981908). Invitae Evidence Modeling of protein sequence and biophysical properties (such as structural, functional, and spatial information, amino acid conservation, physicochemical variation, residue mobility, and thermodynamic stability) indicates that this missense variant is not expected to disrupt GUF1 protein function with a negative predictive value of 80%. In summary, the available evidence is currently insufficient to determine the role of this variant in disease. Therefore, it has been classified as a Variant of Uncertain Significance.

NM_021927.3(GUF1):c.526G>A (p.Val176Ile)

Gene: GUF1 (GTP binding elongation factor GUF1; plus strand). Cytogenetic location: 4p12.
Variant type: single nucleotide variant.
Coding change: c.526G>A on transcript NM_021927.3 (MANE Select); coding-DNA position 526, G replaced by A.
Protein change: p.Val176Ile; replaces valine 176 with isoleucine.
Molecular consequence: missense variant. On other transcripts: 5 prime UTR variant (2).
Genome position (GRCh38, 1-based): chr4:44,682,352, G>A. VCF-style: chr4-44682352-G-A. GRCh37 (hg19) VCF-style: chr4-44684369-G-A.
Other names: c.-443G>A (NM_001345867.2); c.526G>A, p.Val176Ile (NM_001345868.2); c.-447G>A (NM_001345869.2); short protein forms V176I.
Identifiers: ClinVar variation 1981908 (VCV001981908.4), dbSNP rs769408129, ClinGen allele CA2905333.